The following is an entry in ClinVar:

ClinVar aggregate classification (germline): Uncertain significance (1 of 4 stars; one submission).

Allele frequency attached by ClinVar (database versions not stated): TOPMed 0.00002.
gnomAD v4.1: 2 of 1,606,778 alleles (0.00012%); highest among the groups gnomAD compares: Non-Finnish European, 0.00017%; no homozygotes.

Submission:

Women's Health and Genetics/Laboratory Corporation of America, LabCorp
Classification: Uncertain significance. Last evaluated: 2021-03-12. Review status: criteria provided, single submitter. Criteria: LabCorp Variant Classification Summary - May 2015. Collection method: clinical testing. Allele origin: germline.
Comment: Variant summary: ZAP70 c.1274T>A (p.Phe425Tyr) results in a conservative amino acid change located in the protein kinase domain (IPR000719) of the encoded protein sequence. Three of five in-silico tools predict a benign effect of the variant on protein function. The variant allele was found at a frequency of 8e-06 in 249586 control chromosomes (gnomAD). The available data on variant occurrences in the general population are insufficient to allow any conclusion about variant significance. To our knowledge, no occurrence of c.1274T>A in individuals affected with Severe Combined Immunodeficiency Syndrome and no experimental evidence demonstrating its impact on protein function have been reported. No clinical diagnostic laboratories have submitted clinical-significance assessments for this variant to ClinVar after 2014. Based on the evidence outlined above, the variant was classified as uncertain significance.

NM_001079.4(ZAP70):c.1274T>A (p.Phe425Tyr)

Gene: ZAP70 (zeta chain of T cell receptor associated protein kinase 70; plus strand). Cytogenetic location: 2q11.2.
Variant type: single nucleotide variant.
Coding change: c.1274T>A on transcript NM_001079.4 (MANE Select); coding-DNA position 1274, T replaced by A.
Protein change: p.Phe425Tyr; replaces phenylalanine 425 with tyrosine.
Molecular consequence: missense variant.
Genome position (GRCh38, 1-based): chr2:97,735,441, T>A. VCF-style: chr2-97735441-T-A. GRCh37 (hg19) VCF-style: chr2-98351904-T-A.
Other names: c.1274T>A, p.Phe425Tyr (NM_001378594.1); c.353T>A, p.Phe118Tyr (NM_207519.2); short protein forms F118Y, F425Y.
Identifiers: ClinVar variation 1027628 (VCV001027628.1), dbSNP rs764958623, ClinGen allele CA1790410.